The following is an entry in ClinVar:

NM_001244926.2(PRPF4):c.1093A>C (p.Met365Leu)

Gene: PRPF4 (pre-mRNA splicing tri-snRNP complex factor PRPF4; plus strand). Cytogenetic location: 9q32.
Variant type: single nucleotide variant.
Coding change: c.1093A>C on transcript NM_001244926.2 (MANE Select); coding-DNA position 1093, A replaced by C.
Protein change: p.Met365Leu; replaces methionine 365 with leucine.
Molecular consequence: missense variant. On other transcripts: non-coding transcript variant (2).
Genome position (GRCh38, 1-based): chr9:113,290,536, A>C. VCF-style: chr9-113290536-A-C. GRCh37 (hg19) VCF-style: chr9-116052816-A-C.
Other names: c.367A>C, p.Met123Leu (NM_001322266.2, NM_001322267.2); c.1096A>C, p.Met366Leu (NM_004697.5); short protein forms M365L, M366L, M123L.
Identifiers: ClinVar variation 1497503 (VCV001497503.7), dbSNP rs757227440, ClinGen allele CA374555145.

ClinVar aggregate classification (germline): Uncertain significance. Review status: criteria provided, multiple submitters, no conflicts (2 of 4 stars). 2 submissions from 2 submitters: Uncertain significance (2). Last evaluated 2024-06-07.

gnomAD v4.1: 2 of 1,614,196 alleles (0.00012%); highest among the groups gnomAD compares: Non-Finnish European, 0.00017%; no homozygotes.

Submissions (2):

Blueprint Genetics
Classification: Uncertain significance. Last evaluated: 2024-06-07. Review status: criteria provided, single submitter. Criteria: ACMG Guidelines, 2015. Collection method: clinical testing. Allele origin: germline.

Labcorp Genetics (formerly Invitae), Labcorp
Classification: Uncertain significance. Last evaluated: 2022-07-05. Review status: criteria provided, single submitter. Criteria: Invitae Variant Classification Sherloc (09022015). Collection method: clinical testing. Allele origin: germline.
Comment: In summary, the available evidence is currently insufficient to determine the role of this variant in disease. Therefore, it has been classified as a Variant of Uncertain Significance. Algorithms developed to predict the effect of missense changes on protein structure and function (SIFT, PolyPhen-2, Align-GVGD) all suggest that this variant is likely to be tolerated. ClinVar contains an entry for this variant (Variation ID: 1497503). This variant has not been reported in the literature in individuals affected with PRPF4-related conditions. This variant is not present in population databases (gnomAD no frequency). This sequence change replaces methionine, which is neutral and non-polar, with leucine, which is neutral and non-polar, at codon 366 of the PRPF4 protein (p.Met366Leu).